The following is an entry in ClinVar:

NM_000059.4(BRCA2):c.1633G>C (p.Val545Leu)

Gene: BRCA2 (BRCA2 DNA repair associated; plus strand). Cytogenetic location: 13q13.1.
Variant type: single nucleotide variant.
Coding change: c.1633G>C on transcript NM_000059.4 (MANE Select); coding-DNA position 1633, G replaced by C.
Protein change: p.Val545Leu; replaces valine 545 with leucine.
Molecular consequence: missense variant.
Genome position (GRCh38, 1-based): chr13:32,333,111, G>C. VCF-style: chr13-32333111-G-C. GRCh37 (hg19) VCF-style: chr13-32907248-G-C.
Other names: c.1633G>C (NM_000059.3); short protein forms V545L.
Identifiers: ClinVar variation 1391919 (VCV001391919.8), dbSNP rs2137473390, ClinGen allele CA387764936.

ClinVar aggregate classification (germline): Conflicting classifications of pathogenicity. Review status: criteria provided, conflicting classifications (1 of 4 stars). 3 submissions from 3 submitters: Uncertain significance (2); Likely benign (1). Last evaluated 2025-08-22.

Conditions:
Hereditary cancer-predisposing syndrome. Also called: Neoplastic Syndromes, Hereditary; Hereditary neoplastic syndrome; Tumor predisposition; Hereditary Cancer Syndrome. Identifiers: Orphanet 140162, MedGen C0027672, MeSH D009386, MONDO:0015356.
Hereditary breast ovarian cancer syndrome. Also called: BRCA1- and BRCA2-Associated Hereditary Breast and Ovarian Cancer; Hereditary breast and ovarian cancer syndrome (HBOC); Hereditary breast and ovarian cancer syndrome; Hereditary breast and ovarian cancer; Breast and ovarian cancer; Hereditary breast and/or ovarian cancer syndrome. Identifiers: Orphanet 145, MedGen C0677776, MeSH D061325, MONDO:0003582. Disease mechanism: loss of function.

Allele frequency attached by ClinVar (database versions not stated): gnomAD exomes below 0.00001.
gnomAD v4.1: 1 of 1,614,000 alleles (0.000062%); highest among the groups gnomAD compares: East Asian, 0.0022%; no homozygotes.

Submissions (3):

Ambry Genetics
Classification: Uncertain significance for Hereditary cancer-predisposing syndrome. Last evaluated: 2025-08-22. Review status: criteria provided, single submitter. Criteria: Ambry Variant Classification Scheme 2023. Collection method: clinical testing. Allele origin: germline.
Comment: The p.V545L variant (also known as c.1633G>C), located in coding exon 9 of the BRCA2 gene, results from a G to C substitution at nucleotide position 1633. The valine at codon 545 is replaced by leucine, an amino acid with highly similar properties. This amino acid position is conserved. In addition, this alteration is predicted to be tolerated by in silico analysis. Based on the available evidence, the clinical significance of this variant remains unclear.

University of Washington Department of Laboratory Medicine, University of Washington
Classification: Likely benign for Hereditary cancer-predisposing syndrome. Last evaluated: 2023-03-23. Review status: criteria provided, single submitter. Criteria: Dines et al. (Genet Med. 2020). Collection method: curation. Allele origin: germline.
Comment: Missense variant in a coldspot region where missense variants are very unlikely to be pathogenic (PMID:31911673).

BRCA2 exon 10 coldspot. Reclassification based on statistical prior probability.

Labcorp Genetics (formerly Invitae), Labcorp
Classification: Uncertain significance for Hereditary breast ovarian cancer syndrome. Last evaluated: 2021-11-07. Review status: criteria provided, single submitter. Criteria: Invitae Variant Classification Sherloc (09022015). Collection method: clinical testing. Allele origin: germline.
Comment: This variant is not present in population databases (gnomAD no frequency). In summary, the available evidence is currently insufficient to determine the role of this variant in disease. Therefore, it has been classified as a Variant of Uncertain Significance. Advanced modeling of protein sequence and biophysical properties (such as structural, functional, and spatial information, amino acid conservation, physicochemical variation, residue mobility, and thermodynamic stability) performed at Invitae indicates that this missense variant is not expected to disrupt BRCA2 protein function. This variant has not been reported in the literature in individuals affected with BRCA2-related conditions. This sequence change replaces valine, which is neutral and non-polar, with leucine, which is neutral and non-polar, at codon 545 of the BRCA2 protein (p.Val545Leu).